The following is an entry in ClinVar:

NM_177438.3(DICER1):c.2370G>A (p.Arg790=)

Gene: DICER1 (dicer 1, ribonuclease III; minus strand). Cytogenetic location: 14q32.13.
Variant type: single nucleotide variant.
Coding change: c.2370G>A on transcript NM_177438.3 (MANE Select); coding-DNA position 2370, G replaced by A.
Protein change: p.Arg790=; no amino-acid change (arginine 790 retained).
Molecular consequence: synonymous variant.
Genome position (GRCh38, 1-based): chr14:95,108,390, C>T on the plus strand (G>A on the coding strand, the complement: DICER1 is on the minus strand). VCF-style: chr14-95108390-C-T. GRCh37 (hg19) VCF-style: chr14-95574727-C-T.
Other names: c.2370G>A, p.Arg790= (NM_001195573.1, NM_001271282.3, NM_001291628.2 and 1 more transcripts).
Identifiers: ClinVar variation 221128 (VCV000221128.39), dbSNP rs112712209, ClinGen allele CA350316.

ClinVar aggregate classification (germline): Benign. Review status: criteria provided, multiple submitters, no conflicts (2 of 4 stars). 17 submissions from 17 submitters: Benign (14). 3 of the submissions do not count toward it. Last evaluated 2026-04-16.

Conditions:
Pleuropulmonary blastoma (PPB). Identifiers: Orphanet 64742, MedGen C1266144, MONDO:0011014, OMIM 601200, HP:0100528.
Global developmental delay - lung cysts - overgrowth - Wilms tumor syndrome. Also called: GLOBAL DEVELOPMENTAL DELAY, LUNG CYSTS, OVERGROWTH, AND WILMS TUMOR; GLOW Syndrome. Identifiers: Orphanet 404476, MedGen C4748924, MONDO:0018445, OMIM 618272.
Rhabdomyosarcoma, embryonal, 2 (RMSE2). Identifiers: MedGen C1867234, MONDO:0859046, OMIM 180295.
Euthyroid goiter (MNG1). Also called: GOITER, NONTOXIC, WITH INTRATHYROIDAL CALCIFICATION; Goiter, multinodular 1, with or without Sertoli-Leydig cell tumors; MULTINODULAR GOITER, ADOLESCENT; SIMPLE GOITER. Identifiers: Orphanet 276399, MedGen C0302859, MONDO:0007681, OMIM 138800, HP:0009798.
DICER1-related tumor predisposition. Also called: DICER1-related pleuropulmonary blastoma cancer predisposition syndrome; DICER1 syndrome. Identifiers: Orphanet 284343, MedGen C3839822, MONDO:0100216.
Hereditary cancer-predisposing syndrome. Also called: Tumor predisposition; Hereditary neoplastic syndrome; Neoplastic Syndromes, Hereditary; Hereditary Cancer Syndrome. Identifiers: Orphanet 140162, MedGen C0027672, MeSH D009386, MONDO:0015356.

Allele frequency attached by ClinVar (database versions not stated): gnomAD exomes 0.00072 and 0.00178; gnomAD 0.00777 and 0.00732; 1000 Genomes Project 0.00938; 1000 Genomes Project 30x 0.00968; ExAC 0.00232; ESP Exome Variant Server 0.00715; TOPMed 0.00836.
gnomAD v4.1: 2,243 of 1,614,012 alleles (0.14%); highest among the groups gnomAD compares: African/African-American, 2.6%; 34 homozygotes.

Submissions (17):

Myriad Genetics, Inc.
Classification: Benign for DICER1-related tumor predisposition. Last evaluated: 2026-04-16. Review status: criteria provided, single submitter. Criteria: Myriad Autosomal Dominant, Autosomal Recessive and X-Linked Classification Criteria (2023). Collection method: clinical testing. Allele origin: unknown.
Comment: This variant is considered benign. This variant is a silent/synonymous amino acid change and it is not expected to impact splicing.

Labcorp Genetics (formerly Invitae), Labcorp
Classification: Benign for DICER1-related tumor predisposition. Last evaluated: 2026-02-04. Review status: criteria provided, single submitter. Criteria: Invitae Variant Classification Sherloc (09022015). Collection method: clinical testing. Allele origin: germline.

Quest Diagnostics Nichols Institute San Juan Capistrano
Classification: Benign. Last evaluated: 2025-09-08. Review status: criteria provided, single submitter. Criteria: Quest Diagnostics criteria. Collection method: clinical testing. Allele origin: unknown.

Center for Genomic Medicine, Rigshospitalet, Copenhagen University Hospital
Classification: Benign. Last evaluated: 2025-03-04. Review status: criteria provided, single submitter. Criteria: ACMG Guidelines, 2015. Collection method: clinical testing. Allele origin: germline.

KCCC/NGS Laboratory, Kuwait Cancer Control Center
Classification: Benign for Pleuropulmonary blastoma. Last evaluated: 2023-07-07. Review status: criteria provided, single submitter. Criteria: ACMG Guidelines, 2015. Collection method: clinical testing. Allele origin: germline. Affected: yes.

Fulgent Genetics
Classification: Benign for Euthyroid goiter; Rhabdomyosarcoma, embryonal, 2; Pleuropulmonary blastoma; Global developmental delay - lung cysts - overgrowth - Wilms tumor syndrome. Last evaluated: 2021-12-22. Review status: criteria provided, single submitter. Criteria: ACMG Guidelines, 2015. Collection method: clinical testing. Allele origin: unknown.

Department of Pathology and Laboratory Medicine, Sinai Health System
Classification: Benign for DICER1-related tumor predisposition. Last evaluated: 2021-08-19. Review status: criteria provided, single submitter. Criteria: ACMG Guidelines, 2015. Collection method: clinical testing. Allele origin: germline. Affected: yes.

Genetic Services Laboratory, University of Chicago
Classification: Benign. Last evaluated: 2021-06-07. Review status: criteria provided, single submitter. Criteria: ACMG Guidelines, 2015. Collection method: clinical testing. Allele origin: germline. Affected: no.

ARUP Laboratories, Molecular Genetics and Genomics, ARUP Laboratories
Classification: Benign. Last evaluated: 2020-10-12. Review status: criteria provided, single submitter. Criteria: ARUP Molecular Germline Variant Investigation Process 2021. Collection method: clinical testing. Allele origin: germline.

Illumina Laboratory Services, Illumina
Classification: Benign for Pleuropulmonary blastoma. Last evaluated: 2018-01-12. Review status: criteria provided, single submitter. Criteria: ICSL Variant Classification Criteria 13 December 2019. Collection method: clinical testing. Allele origin: germline.
Comment: This variant was observed in the ICSL laboratory as part of a predisposition screen in an ostensibly healthy population. It had not been previously curated by ICSL or reported in the Human Gene Mutation Database (HGMD: prior to June 1st, 2018), and was therefore a candidate for classification through an automated scoring system. Utilizing variant allele frequency, disease prevalence and penetrance estimates, and inheritance mode, an automated score was calculated to assess if this variant is too frequent to cause the disease. Based on the score and internal cut-off values, a variant classified as benign is not then subjected to further curation. The score for this variant resulted in a classification of benign for this disease.

GeneDx
Classification: Benign. Last evaluated: 2017-09-20. Review status: criteria provided, single submitter. Criteria: GeneDx Variant Classification (06012015). Collection method: clinical testing. Allele origin: germline. Affected: yes.
Comment: This variant is considered likely benign or benign based on one or more of the following criteria: it is a conservative change, it occurs at a poorly conserved position in the protein, it is predicted to be benign by multiple in silico algorithms, and/or has population frequency not consistent with disease.

Ambry Genetics
Classification: Benign for Hereditary cancer-predisposing syndrome. Last evaluated: 2016-06-01. Review status: criteria provided, single submitter. Criteria: Ambry Variant Classification Scheme 2023. Collection method: clinical testing. Allele origin: germline.

PreventionGenetics, part of Exact Sciences
Classification: Benign. Last evaluated: 2015-07-30. Review status: criteria provided, single submitter. Criteria: ACMG Guidelines, 2015. Collection method: clinical testing. Allele origin: germline.

Breakthrough Genomics
Classification: Benign. Review status: criteria provided, single submitter. Criteria: ACMG Guidelines, 2015. Collection method: not provided. Allele origin: germline. Inheritance: Autosomal dominant inheritance. Affected: yes.

Clinical Genetics DNA and cytogenetics Diagnostics Lab, Erasmus MC, Erasmus Medical Center
Classification: Likely benign. Review status: no assertion criteria provided. Collection method: clinical testing. Allele origin: germline. Affected: yes. Study: VKGL Data-share Consensus. Not counted in ClinVar's aggregate classification.

Genome Diagnostics Laboratory, Amsterdam University Medical Center
Classification: Benign. Review status: no assertion criteria provided. Collection method: clinical testing. Allele origin: germline. Affected: yes. Study: VKGL Data-share Consensus. Not counted in ClinVar's aggregate classification.

Genome Diagnostics Laboratory, University Medical Center Utrecht
Classification: Benign. Review status: no assertion criteria provided. Collection method: clinical testing. Allele origin: germline. Affected: yes. Study: VKGL Data-share Consensus. Not counted in ClinVar's aggregate classification.

Literature cited by the submitters: PubMed 32714280 (cited by Quest Diagnostics Nichols Institute San Juan Capistrano); PubMed 36315513 (cited by Quest Diagnostics Nichols Institute San Juan Capistrano).